The following is an entry in ClinVar:

ClinVar aggregate classification (germline): Uncertain significance. Review status: criteria provided, multiple submitters, no conflicts (2 of 4 stars). 2 submissions from 2 submitters: Uncertain significance (2). Last evaluated 2026-01-25.

Conditions:
RASopathy. Also called: rasopathies; Noonan spectrum disorder. Identifiers: Orphanet 536391, MedGen C5555857, MONDO:0021060.
Cardiovascular phenotype. Identifiers: MedGen CN230736.

Submissions (2):

Ambry Genetics
Classification: Uncertain significance for Cardiovascular phenotype. Last evaluated: 2026-01-25. Review status: criteria provided, single submitter. Criteria: Ambry Variant Classification Scheme 2023. Collection method: clinical testing. Allele origin: germline.
Comment: The p.K163R variant (also known as c.488A>G), located in coding exon 4 of the MAP2K2 gene, results from an A to G substitution at nucleotide position 488. The lysine at codon 163 is replaced by arginine, an amino acid with highly similar properties. This amino acid position is conserved. In addition, this alteration is predicted to be tolerated by in silico analysis. Based on the available evidence, the clinical significance of this variant remains unclear.

Labcorp Genetics (formerly Invitae), Labcorp
Classification: Uncertain significance for RASopathy. Last evaluated: 2025-08-03. Review status: criteria provided, single submitter. Criteria: Invitae Variant Classification Sherloc (09022015). Collection method: clinical testing. Allele origin: germline.
Comment: This sequence change replaces lysine, which is basic and polar, with arginine, which is basic and polar, at codon 163 of the MAP2K2 protein (p.Lys163Arg). The frequency data for this variant in the population databases is considered unreliable, as metrics indicate poor data quality at this position in the gnomAD database. This variant has not been reported in the literature in individuals affected with MAP2K2-related conditions. ClinVar contains an entry for this variant (Variation ID: 3623365). Invitae Evidence Modeling of protein sequence and biophysical properties (such as structural, functional, and spatial information, amino acid conservation, physicochemical variation, residue mobility, and thermodynamic stability) indicates that this missense variant is not expected to disrupt MAP2K2 protein function with a negative predictive value of 95%. In summary, the available evidence is currently insufficient to determine the role of this variant in disease. Therefore, it has been classified as a Variant of Uncertain Significance.

NM_030662.4(MAP2K2):c.488A>G (p.Lys163Arg)

Gene: MAP2K2 (mitogen-activated protein kinase kinase 2; minus strand). Cytogenetic location: 19p13.3.
Variant type: single nucleotide variant.
Coding change: c.488A>G on transcript NM_030662.4 (MANE Select); coding-DNA position 488, A replaced by G.
Protein change: p.Lys163Arg; replaces lysine 163 with arginine.
Molecular consequence: missense variant.
Genome position (GRCh38, 1-based): chr19:4,102,416, T>C on the plus strand (A>G on the coding strand, the complement: MAP2K2 is on the minus strand). VCF-style: chr19-4102416-T-C. GRCh37 (hg19) VCF-style: chr19-4102414-T-C.
Other names: short protein forms K163R.
Identifiers: ClinVar variation 3623365 (VCV003623365.3).